The following is an entry in ClinVar:

ClinVar aggregate classification (germline): Likely benign. Review status: criteria provided, multiple submitters, no conflicts (2 of 4 stars). 2 submissions from 2 submitters: Likely benign (2). Last evaluated 2023-03-07.

Conditions:
Ehlers-Danlos syndrome, type 4 (EDSVASC). Also called: Ehlers-Danlos syndrome vascular type; Ehlers Danlos syndrome, ecchymotic type; Ehlers Danlos syndrome, arterial type; Ehlers Danlos syndrome, Sack-Barabas type; Ehlers-Danlos Syndrome Type IV. Identifiers: Orphanet 286, MedGen C0268338, MONDO:0017314, OMIM 130050.
Familial thoracic aortic aneurysm and aortic dissection (TAAD). Also called: Thoracic aortic aneurysms and dissections. Identifiers: Orphanet 91387, MedGen C4707243, MONDO:0019625.

gnomAD v4.1: 1 of 1,613,396 alleles (0.000062%); highest among the groups gnomAD compares: Non-Finnish European, 0.000085%; no homozygotes.

Submissions (2):

All of Us Research Program, National Institutes of Health
Classification: Likely benign for Ehlers-Danlos syndrome, type 4. Last evaluated: 2023-03-07. Review status: criteria provided, single submitter. Criteria: ACMG Guidelines, 2015. Collection method: clinical testing. Allele origin: germline. Inheritance: Autosomal dominant inheritance. Observed: 1 variant allele, 1 heterozygote.
Comment: This study involves interpretation of variants in research participants for the purpose of population health screening. Participant phenotype was not available at the time of variant classification. Additional details can be found in publication PMID: 35346344, PMCID: PMC8962531

Color Diagnostics, LLC DBA Color Health
Classification: Likely benign for Familial thoracic aortic aneurysm and aortic dissection. Last evaluated: 2019-07-27. Review status: criteria provided, single submitter. Criteria: ACMG Guidelines, 2015. Collection method: clinical testing. Allele origin: germline.

NM_000090.4(COL3A1):c.1348-11T>C

Gene: COL3A1 (collagen type III alpha 1 chain; plus strand). Cytogenetic location: 2q32.2.
Variant type: single nucleotide variant.
Coding change: c.1348-11T>C on transcript NM_000090.4 (MANE Select); 11 bases into the intron before coding-DNA position 1348, T replaced by C.
Molecular consequence: intron variant.
Genome position (GRCh38, 1-based): chr2:188,994,713, T>C. VCF-style: chr2-188994713-T-C. GRCh37 (hg19) VCF-style: chr2-189859439-T-C.
Identifiers: ClinVar variation 925984 (VCV000925984.3), dbSNP rs1334349221, ClinGen allele CA1139657559.
Genomic context (GRCh38, chr2:188,994,713, plus strand): 5'-GTAAACAGGTAAAAACTTTGAACTAAATTCAGTCATAATTTCTTTATTTTACCATCTTTT[T>C]TTTTTTTCAGGGTGAGGCTGGTATTCCAGGTGTTCCAGGAGCTAAAGGCGAAGATGGCAA-3'